The following is an entry in ClinVar:

NM_006206.6(PDGFRA):c.2974A>G (p.Thr992Ala)

Gene: PDGFRA (platelet derived growth factor receptor alpha; plus strand). Cytogenetic location: 4q12.
Variant type: single nucleotide variant.
Coding change: c.2974A>G on transcript NM_006206.6 (MANE Select); coding-DNA position 2974, A replaced by G.
Protein change: p.Thr992Ala; replaces threonine 992 with alanine.
Molecular consequence: missense variant.
Genome position (GRCh38, 1-based): chr4:54,290,406, A>G. VCF-style: chr4-54290406-A-G. GRCh37 (hg19) VCF-style: chr4-55156573-A-G.
Other names: c.3049A>G, p.Thr1017Ala (NM_001347828.2); c.2974A>G, p.Thr992Ala (NM_001347829.2); c.3013A>G, p.Thr1005Ala (NM_001347830.2); short protein forms T1017A, T992A, T1005A.
Identifiers: ClinVar variation 846649 (VCV000846649.10), dbSNP rs1449825367, ClinGen allele CA356896101.

ClinVar aggregate classification (germline): Uncertain significance. Review status: criteria provided, multiple submitters, no conflicts (2 of 4 stars). 3 submissions from 3 submitters: Uncertain significance (3). Last evaluated 2026-01-13.

Conditions:
Hereditary cancer-predisposing syndrome. Also called: Neoplastic Syndromes, Hereditary; Tumor predisposition; Hereditary Cancer Syndrome; Hereditary neoplastic syndrome. Identifiers: Orphanet 140162, MedGen C0027672, MeSH D009386, MONDO:0015356.
Gastrointestinal stromal tumor. Also called: Gastrointestinal stromal tumor, somatic; Gastrointestinal stroma tumor. Identifiers: Orphanet 44890, MedGen C0238198, MeSH D046152, MONDO:0011719, OMIM 606764, HP:0100723.
Idiopathic hypereosinophilic syndrome (HES). Identifiers: Orphanet 3260, MedGen C0206141, MONDO:0011895, OMIM 607685. Disease mechanism: gain of function.
Polyps, multiple and recurrent inflammatory fibroid, gastrointestinal. Identifiers: MedGen C5193005, MONDO:0008285, OMIM 175510.

Allele frequency attached by ClinVar (database versions not stated): gnomAD exomes below 0.00001.
gnomAD v4.1: 2 of 1,613,928 alleles (0.00012%); highest among the groups gnomAD compares: East Asian, 0.0045%; no homozygotes.

Submissions (3):

Labcorp Genetics (formerly Invitae), Labcorp
Classification: Uncertain significance for Gastrointestinal stromal tumor. Last evaluated: 2026-01-13. Review status: criteria provided, single submitter. Criteria: Invitae Variant Classification Sherloc (09022015). Collection method: clinical testing. Allele origin: germline.
Comment: This sequence change replaces threonine, which is neutral and polar, with alanine, which is neutral and non-polar, at codon 992 of the PDGFRA protein (p.Thr992Ala). This variant is not present in population databases (gnomAD no frequency). This variant has not been reported in the literature in individuals affected with PDGFRA-related conditions. ClinVar contains an entry for this variant (Variation ID: 846649). Invitae Evidence Modeling of protein sequence and biophysical properties (such as structural, functional, and spatial information, amino acid conservation, physicochemical variation, residue mobility, and thermodynamic stability) indicates that this missense variant is not expected to disrupt PDGFRA protein function with a negative predictive value of 80%. In summary, the available evidence is currently insufficient to determine the role of this variant in disease. Therefore, it has been classified as a Variant of Uncertain Significance.

Ambry Genetics
Classification: Uncertain significance for Hereditary cancer-predisposing syndrome. Last evaluated: 2025-12-10. Review status: criteria provided, single submitter. Criteria: Ambry Variant Classification Scheme 2023. Collection method: clinical testing. Allele origin: germline.
Comment: The p.T992A variant (also known as c.2974A>G), located in coding exon 21 of the PDGFRA gene, results from an A to G substitution at nucleotide position 2974. The threonine at codon 992 is replaced by alanine, an amino acid with similar properties. This amino acid position is conserved. In addition, this alteration is predicted to be tolerated by in silico analysis. Since supporting evidence is limited at this time, the clinical significance of this alteration remains unclear.

Fulgent Genetics
Classification: Uncertain significance for Polyps, multiple and recurrent inflammatory fibroid, gastrointestinal; Idiopathic hypereosinophilic syndrome. Last evaluated: 2024-01-23. Review status: criteria provided, single submitter. Criteria: ACMG Guidelines, 2015. Collection method: clinical testing. Allele origin: germline.